The following is an entry in ClinVar:

NM_000243.3(MEFV):c.1538T>C (p.Ile513Thr)

Gene: MEFV (MEFV innate immunity regulator, pyrin; minus strand). Cytogenetic location: 16p13.3.
Variant type: single nucleotide variant.
Coding change: c.1538T>C on transcript NM_000243.3 (MANE Select); coding-DNA position 1538, T replaced by C.
Protein change: p.Ile513Thr; replaces isoleucine 513 with threonine.
Molecular consequence: missense variant.
Genome position (GRCh38, 1-based): chr16:3,247,065, A>G on the plus strand (T>C on the coding strand, the complement: MEFV is on the minus strand). VCF-style: chr16-3247065-A-G. GRCh37 (hg19) VCF-style: chr16-3297065-A-G.
Other names: c.905T>C, p.Ile302Thr (NM_001198536.2); short protein forms I513T, I302T.
Identifiers: ClinVar variation 97450 (VCV000097450.10), dbSNP rs104895199, ClinGen allele CA280418.
Genomic context (GRCh38, chr16:3,247,065, plus strand): 5'-GGCACACCCACCTGCAGAAGTTCCCATTCTGACTGGCACTCCTTGGCCTCCAGTTCCCCA[A>G]TCAGCGCATCGAGCAGGGCGATGTCCTGGGATACGCGGGTGTCATATGCCTTCCTGATCT-3'
Protein context (NP_000234.1, residues 503-523): SQDIALLDAL[Ile513Thr]GELEAKECQS

ClinVar aggregate classification (germline): Conflicting classifications of pathogenicity. Review status: criteria provided, conflicting classifications (1 of 4 stars). 6 submissions from 4 submitters: Uncertain significance (2); Benign (3). 1 of the submissions does not count toward it. Last evaluated 2023-02-08.

Conditions:
Acute febrile neutrophilic dermatosis (AFND). Also called: Gomm Button disease; Sweet Syndrome. Identifiers: Orphanet 3243, MedGen C0085077, MONDO:0011959, OMIM 608068.
Familial Mediterranean fever (FMF). Also called: POLYSEROSITIS, FAMILIAL PAROXYSMAL; POLYSEROSITIS, RECURRENT; Periodic peritonitis; Benign paroxysmal peritonitis. Identifiers: Orphanet 342, MedGen C0031069, MONDO:0018088, OMIM 249100. Disease mechanism: gain of function.
Familial Mediterranean fever, autosomal dominant. Also called: FMF, AUTOSOMAL DOMINANT; Dominant Familial Mediterranean Fever. Identifiers: Orphanet 342, MedGen C1851347, MONDO:0007601, OMIM 134610.

Allele frequency attached by ClinVar (database versions not stated): gnomAD exomes below 0.00001 and 0.00001; ExAC 0.00001.
gnomAD v4.1: 6 of 1,614,172 alleles (0.00037%); highest among the groups gnomAD compares: Admixed American, 0.0017%; no homozygotes.

Submissions (6):

Genome-Nilou Lab
Classification: Benign for Familial Mediterranean fever. Last evaluated: 2023-02-08. Review status: criteria provided, single submitter. Criteria: ACMG Guidelines, 2015. Collection method: clinical testing. Allele origin: germline.

Genome-Nilou Lab
Classification: Benign for Familial Mediterranean fever, autosomal dominant. Last evaluated: 2023-02-08. Review status: criteria provided, single submitter. Criteria: ACMG Guidelines, 2015. Collection method: clinical testing. Allele origin: germline.

Genome-Nilou Lab
Classification: Benign for Acute febrile neutrophilic dermatosis. Last evaluated: 2023-02-08. Review status: criteria provided, single submitter. Criteria: ACMG Guidelines, 2015. Collection method: clinical testing. Allele origin: germline.

Labcorp Genetics (formerly Invitae), Labcorp
Classification: Uncertain significance for Familial Mediterranean fever. Last evaluated: 2022-06-23. Review status: criteria provided, single submitter. Criteria: Invitae Variant Classification Sherloc (09022015). Collection method: clinical testing. Allele origin: germline.
Comment: This sequence change replaces isoleucine, which is neutral and non-polar, with threonine, which is neutral and polar, at codon 513 of the MEFV protein (p.Ile513Thr). This variant is present in population databases (rs104895199, gnomAD 0.003%). This missense change has been observed in individual(s) with clinical features of MEFV-related conditions (PMID: 21520333). ClinVar contains an entry for this variant (Variation ID: 97450). Algorithms developed to predict the effect of missense changes on protein structure and function are either unavailable or do not agree on the potential impact of this missense change (SIFT: "Tolerated"; PolyPhen-2: "Probably Damaging"; Align-GVGD: "Class C0"). In summary, the available evidence is currently insufficient to determine the role of this variant in disease. Therefore, it has been classified as a Variant of Uncertain Significance.

GeneDx
Classification: Uncertain significance. Last evaluated: 2019-04-12. Review status: criteria provided, single submitter. Criteria: GeneDx Variant Classification Process June 2021. Collection method: clinical testing. Allele origin: germline. Affected: yes.
Comment: Not observed at a significant frequency in large population cohorts (Lek et al., 2016); In silico analysis, which includes protein predictors and evolutionary conservation, supports a deleterious effect; Has not been previously published as pathogenic or benign to our knowledge

Unité médicale des maladies autoinflammatoires, CHRU Montpellier
No classification provided. Condition: Familial Mediterranean fever. Review status: no classification provided. Collection method: not provided. Allele origin: unknown. Not counted in ClinVar's aggregate classification.

Literature cited by the submitters: PubMed 21520333 (cited by Labcorp Genetics (formerly Invitae), Labcorp).